The following is an entry in ClinVar:

NM_022338.4(C11orf24):c.366G>A (p.Ala122=)

Gene: C11orf24 (chromosome 11 open reading frame 24; minus strand). Cytogenetic location: 11q13.2.
Variant type: single nucleotide variant.
Coding change: c.366G>A on transcript NM_022338.4 (MANE Select); coding-DNA position 366, G replaced by A.
Protein change: p.Ala122=; no amino-acid change (alanine 122 retained).
Molecular consequence: synonymous variant. On other transcripts: intron variant (1).
Genome position (GRCh38, 1-based): chr11:68,262,629, C>T on the plus strand (G>A on the coding strand, the complement: C11orf24 is on the minus strand). VCF-style: chr11-68262629-C-T. GRCh37 (hg19) VCF-style: chr11-68030097-C-T.
Other names: c.264+102G>A (NM_001300913.2).
Identifiers: ClinVar variation 2642040 (VCV002642040.24), dbSNP rs770834362, ClinGen allele CA6148777.

ClinVar aggregate classification (germline): Likely benign (1 of 4 stars; one submission).

Allele frequency attached by ClinVar (database versions not stated): gnomAD exomes 0.00001; ExAC 0.00003; gnomAD 0.00003; TOPMed 0.00003.
gnomAD v4.1: 22 of 1,612,548 alleles (0.0014%); highest among the groups gnomAD compares: South Asian, 0.01%; no homozygotes.

Submission:

CeGaT Center for Human Genetics Tuebingen
Classification: Likely benign. Last evaluated: 2022-04-01. Review status: criteria provided, single submitter. Criteria: CeGaT Center For Human Genetics Tuebingen Variant Classification Criteria Version 2. Collection method: clinical testing. Allele origin: germline. Affected: yes. Observed: 1 variant allele.
Comment: C11orf24: BP4, BP7